The following is an entry in ClinVar:

NM_006030.4(CACNA2D2):c.1619A>G (p.Asn540Ser)

Gene: CACNA2D2 (calcium voltage-gated channel auxiliary subunit alpha2delta 2; minus strand). Cytogenetic location: 3p21.31.
Variant type: single nucleotide variant.
Coding change: c.1619A>G on transcript NM_006030.4 (MANE Select); coding-DNA position 1619, A replaced by G.
Protein change: p.Asn540Ser; replaces asparagine 540 with serine.
Molecular consequence: missense variant.
Genome position (GRCh38, 1-based): chr3:50,377,474, T>C on the plus strand (A>G on the coding strand, the complement: CACNA2D2 is on the minus strand). VCF-style: chr3-50377474-T-C. GRCh37 (hg19) VCF-style: chr3-50414905-T-C.
Other names: c.1619A>G, p.Asn540Ser (NM_001005505.3, NM_001174051.3); c.1412A>G, p.Asn471Ser (NM_001291101.1); short protein forms N540S, N471S.
Identifiers: ClinVar variation 835950 (VCV000835950.5), dbSNP rs748770803, ClinGen allele CA2418801.

ClinVar aggregate classification (germline): Uncertain significance (1 of 4 stars; one submission).

Conditions:
Developmental and epileptic encephalopathy. Identifiers: MedGen C5779964, MONDO:0100620.

Allele frequency attached by ClinVar (database versions not stated): gnomAD exomes below 0.00001 and 0.00001; ExAC 0.00001; gnomAD 0.00001.
gnomAD v4.1: 6 of 1,612,702 alleles (0.00037%); highest among the groups gnomAD compares: South Asian, 0.0033%; no homozygotes.

Submission:

Labcorp Genetics (formerly Invitae), Labcorp
Classification: Uncertain significance for Early-infantile DEE. Last evaluated: 2021-09-01. Review status: criteria provided, single submitter. Criteria: Invitae Variant Classification Sherloc (09022015). Collection method: clinical testing. Allele origin: germline.
Comment: This sequence change replaces asparagine with serine at codon 540 of the CACNA2D2 protein (p.Asn540Ser). The asparagine residue is moderately conserved and there is a small physicochemical difference between asparagine and serine. This variant is present in population databases (rs748770803, ExAC 0.002%). This variant has not been reported in the literature in individuals affected with CACNA2D2-related conditions. Algorithms developed to predict the effect of missense changes on protein structure and function (SIFT, PolyPhen-2, Align-GVGD) all suggest that this variant is likely to be tolerated. In summary, the available evidence is currently insufficient to determine the role of this variant in disease. Therefore, it has been classified as a Variant of Uncertain Significance.